The following is an entry in ClinVar:

ClinVar aggregate classification (germline): Likely pathogenic (1 of 4 stars; one submission).

Submission:

Labcorp Genetics (formerly Invitae), Labcorp
Classification: Likely pathogenic. Last evaluated: 2023-04-26. Review status: criteria provided, single submitter. Criteria: Invitae Variant Classification Sherloc (09022015). Collection method: clinical testing. Allele origin: germline.
Comment: This variant is not present in population databases (gnomAD no frequency). In summary, the currently available evidence indicates that the variant is pathogenic, but additional data are needed to prove that conclusively. Therefore, this variant has been classified as Likely Pathogenic. Algorithms developed to predict the effect of sequence changes on RNA splicing suggest that this variant may disrupt the consensus splice site. Disruption of this splice site has been observed in individual(s) with hemolytic anemia (PMID: 32641076). This sequence change affects an acceptor splice site in intron 7 of the ANK1 gene. It is expected to disrupt RNA splicing. Variants that disrupt the donor or acceptor splice site typically lead to a loss of protein function (PMID: 16199547), and loss-of-function variants in ANK1 are known to be pathogenic (PMID: 8640229).

Literature cited by the submitters: PubMed 32641076; PubMed 16199547; PubMed 8640229.

NM_000037.4(ANK1):c.712-2A>G

Gene: ANK1 (ankyrin 1; minus strand). Cytogenetic location: 8p11.21.
Variant type: single nucleotide variant.
Coding change: c.712-2A>G on transcript NM_000037.4 (MANE Select); the canonical splice acceptor site of the intron before coding-DNA position 712, A replaced by G.
Molecular consequence: splice acceptor variant.
Genome position (GRCh38, 1-based): chr8:41,723,635, T>C on the plus strand (A>G on the coding strand, the complement: ANK1 is on the minus strand). VCF-style: chr8-41723635-T-C. GRCh37 (hg19) VCF-style: chr8-41581153-T-C.
Other names: c.811-2A>G (NM_001142446.2); c.712-2A>G (NM_020477.3, NM_020475.3, NM_020476.3).
Identifiers: ClinVar variation 2780131 (VCV002780131.3), dbSNP rs2150653010, ClinGen allele CA371043175.